The following is an entry in ClinVar:

NM_182914.3(SYNE2):c.12856A>C (p.Ile4286Leu)

Gene: SYNE2 (spectrin repeat containing nuclear envelope protein 2; plus strand). Cytogenetic location: 14q23.2.
Variant type: single nucleotide variant.
Coding change: c.12856A>C on transcript NM_182914.3 (MANE Select); coding-DNA position 12856, A replaced by C.
Protein change: p.Ile4286Leu; replaces isoleucine 4286 with leucine.
Molecular consequence: missense variant.
Genome position (GRCh38, 1-based): chr14:64,119,442, A>C. VCF-style: chr14-64119442-A-C. GRCh37 (hg19) VCF-style: chr14-64586160-A-C.
Other names: c.12856A>C, p.Ile4286Leu (NM_015180.6); short protein forms I4286L.
Identifiers: ClinVar variation 942050 (VCV000942050.31), dbSNP rs763081757, ClinGen allele CA7222272.

ClinVar aggregate classification (germline): Conflicting classifications of pathogenicity. Review status: criteria provided, conflicting classifications (1 of 4 stars). 2 submissions from 2 submitters: Uncertain significance (1); Likely benign (1). Last evaluated 2025-03-18.

Conditions:
Emery-Dreifuss muscular dystrophy 5, autosomal dominant (EDMD5). Also called: EMERY-DREIFUSS MUSCULAR DYSTROPHY 5. Identifiers: Orphanet 261, MedGen C2751805, MONDO:0013072, OMIM 612999.

Allele frequency attached by ClinVar (database versions not stated): gnomAD exomes 0.00001 and 0.00003; ExAC 0.00002; TOPMed 0.00004.
gnomAD v4.1: 26 of 1,614,088 alleles (0.0016%); highest among the groups gnomAD compares: Non-Finnish European, 0.0021%; no homozygotes.

Submissions (2):

Labcorp Genetics (formerly Invitae), Labcorp
Classification: Uncertain significance for Emery-Dreifuss muscular dystrophy 5, autosomal dominant. Last evaluated: 2025-03-18. Review status: criteria provided, single submitter. Criteria: Invitae Variant Classification Sherloc (09022015). Collection method: clinical testing. Allele origin: germline.
Comment: This sequence change replaces isoleucine, which is neutral and non-polar, with leucine, which is neutral and non-polar, at codon 4286 of the SYNE2 protein (p.Ile4286Leu). This variant is present in population databases (rs763081757, gnomAD 0.006%). This missense change has been observed in individual(s) with left ventricular noncompaction (PMID: 28798025). ClinVar contains an entry for this variant (Variation ID: 942050). An algorithm developed to predict the effect of missense changes on protein structure and function (PolyPhen-2) suggests that this variant is likely to be disruptive. In summary, the available evidence is currently insufficient to determine the role of this variant in disease. Therefore, it has been classified as a Variant of Uncertain Significance.

CeGaT Center for Human Genetics Tuebingen
Classification: Likely benign. Last evaluated: 2023-08-01. Review status: criteria provided, single submitter. Criteria: CeGaT Center For Human Genetics Tuebingen Variant Classification Criteria Version 2. Collection method: clinical testing. Allele origin: germline. Affected: yes. Observed: 1 variant allele.
Comment: SYNE2: BS2

Literature cited by the submitters: PubMed 28798025 (cited by Labcorp Genetics (formerly Invitae), Labcorp).